The following is an entry in ClinVar:

NM_001127464.1:c.3812G>A

Gene: ZNF469 (zinc finger protein 469; plus strand).
Variant type: single nucleotide variant.
Identifiers: ClinVar variation 4842248 (VCV004842248.1).

ClinVar aggregate classification (germline): Uncertain significance (1 of 4 stars; one submission).

Conditions:
Cardiovascular phenotype. Identifiers: MedGen CN230736.

Submission:

Ambry Genetics
Classification: Uncertain significance for Cardiovascular phenotype. Last evaluated: 2026-01-10. Review status: criteria provided, single submitter. Criteria: Ambry Variant Classification Scheme 2023. Collection method: clinical testing. Allele origin: germline.
Comment: The p.G1271D variant (also known as c.3812G>A), located in coding exon 2 of the ZNF469 gene, results from a G to A substitution at nucleotide position 3812. The glycine at codon 1271 is replaced by aspartic acid, an amino acid with similar properties. This amino acid position is conserved. In addition, this alteration is predicted to be tolerated by in silico analysis. Based on the available evidence, the clinical significance of this variant remains unclear.